The following is an entry in ClinVar:

NM_014362.4(HIBCH):c.439-2A>G

Gene: HIBCH (3-hydroxyisobutyryl-CoA hydrolase; minus strand). Cytogenetic location: 2q32.2.
Variant type: single nucleotide variant.
Coding change: c.439-2A>G on transcript NM_014362.4 (MANE Select); the canonical splice acceptor site of the intron before coding-DNA position 439, A replaced by G.
Molecular consequence: splice acceptor variant.
Genome position (GRCh38, 1-based): chr2:190,261,236, T>C on the plus strand (A>G on the coding strand, the complement: HIBCH is on the minus strand). VCF-style: chr2-190261236-T-C. GRCh37 (hg19) VCF-style: chr2-191125962-T-C.
Other names: c.439-2A>G (NM_198047.3).
Identifiers: ClinVar variation 1067304 (VCV001067304.36), dbSNP rs1180861300, ClinGen allele CA349893645.
Genomic context (GRCh38, chr2:190,261,236, plus strand): 5'-GCAAAAAGACACTTTTCTGTAGCCACTCGAAATTGCCCATGGACTGAGAGACCAACTCCC[T>C]AGAGAAAAAAGGCAAAAAAAGAGGCGGGGGGGAATTAAACATATTGTTAAAAAACAAGCA-3'

ClinVar aggregate classification (germline): Conflicting classifications of pathogenicity. Review status: criteria provided, conflicting classifications (1 of 4 stars). 4 submissions from 4 submitters: Pathogenic (2); Likely pathogenic (1); Uncertain significance (1). Last evaluated 2024-12-19.

Conditions:
3-hydroxyisobutyryl-CoA hydrolase deficiency. Also called: Reduced circulating 3-hydroxyisobutyryl-CoA hydrolase activity; Deficiency of 3-hydroxyisobutyryl CoA hydrolase; VALINE METABOLIC DEFECT; HIBCH DEFICIENCY; METHACRYLIC ACID TOXICITY; METHACRYLIC ACIDURIA. Identifiers: Orphanet 88639, MedGen C0342738, MONDO:0009603, OMIM 250620, HP:6000215.

Allele frequency attached by ClinVar (database versions not stated): gnomAD exomes below 0.00001; TOPMed 0.00001.
gnomAD v4.1: 2 of 1,609,452 alleles (0.00012%); highest among the groups gnomAD compares: Non-Finnish European, 0.00017%; no homozygotes.

Submissions (4):

3billion
Classification: Pathogenic for 3-hydroxyisobutyryl-CoA hydrolase deficiency. Last evaluated: 2024-12-19. Review status: criteria provided, single submitter. Criteria: ACMG Guidelines, 2015. Collection method: clinical testing. Allele origin: germline. Affected: yes.
Comment: The variant is observed at an extremely low frequency in the gnomAD v4.1.0 dataset (total allele frequency: <0.001%). Predicted Consequence/Location: Canonical splice site: predicted to alter splicing and result in a loss or disruption of normal protein function. Multiple pathogenic loss-of-function variants are reported downstream of the variant. In silico tools predict the variant to alter splicing and produce an abnormal transcript [SpliceAI: 0.97 (spliceogenicity >=0.2, non-spliceogenicity <0.1)]. The variant has been reported to be associated with HIBCH-related disorder (PMID: 30111474). Therefore, this variant is classified as Pathogenic according to the recommendation of ACMG/AMP guideline.

Labcorp Genetics (formerly Invitae), Labcorp
Classification: Pathogenic for 3-hydroxyisobutyryl-CoA hydrolase deficiency. Last evaluated: 2024-02-08. Review status: criteria provided, single submitter. Criteria: Invitae Variant Classification Sherloc (09022015). Collection method: clinical testing. Allele origin: germline.
Comment: This sequence change affects an acceptor splice site in intron 6 of the HIBCH gene. It is expected to disrupt RNA splicing. Variants that disrupt the donor or acceptor splice site typically lead to a loss of protein function (PMID: 16199547), and loss-of-function variants in HIBCH are known to be pathogenic (PMID: 17160907, 26163321). This variant is not present in population databases (gnomAD no frequency). Disruption of this splice site has been observed in individual(s) with 3-hydroxyisobutyryl-CoA hydrolase deficiency (PMID: 26717663, 30111474, 33762937). In at least one individual the data is consistent with being in trans (on the opposite chromosome) from a pathogenic variant. ClinVar contains an entry for this variant (Variation ID: 1067304). Algorithms developed to predict the effect of sequence changes on RNA splicing suggest that this variant may disrupt the consensus splice site. For these reasons, this variant has been classified as Pathogenic.

Juno Genomics, Hangzhou Juno Genomics, Inc
Classification: Likely pathogenic for 3-hydroxyisobutyryl-CoA hydrolase deficiency. Review status: criteria provided, single submitter. Criteria: ACMG Guidelines, 2015. Collection method: clinical testing. Allele origin: germline.
Comment: Absent from controls (or at extremely low frequency if recessive) in Genome Aggregation Database.;Null variant in a gene where loss of function (LOF) is a known mechanism of disease.;For recessive disorders, detected in trans with a pathogenic variant.

Pediatric Department, Xiangya Hospital, Central South University
Classification: Uncertain significance for 3-hydroxyisobutyryl-CoA hydrolase deficiency. Review status: criteria provided, single submitter. Criteria: ACMG Guidelines, 2015. Collection method: clinical testing. Allele origin: paternal. Inheritance: Autosomal recessive inheritance. Affected: yes. Observed: 2 compound heterozygotes. Clinical features observed: Developmental regression, myoclonus, Feeding difficulties, Abnormal basal ganglia MRI signal intensity.
Comment: This variant was observed in compound heterozygosity with variant (c.958A>G)

Literature cited by the submitters: PubMed 30111474 (cited by 3billion and Labcorp Genetics (formerly Invitae), Labcorp); PubMed 16199547 (cited by Labcorp Genetics (formerly Invitae), Labcorp); PubMed 17160907 (cited by Labcorp Genetics (formerly Invitae), Labcorp); PubMed 26163321 (cited by Labcorp Genetics (formerly Invitae), Labcorp); PubMed 26717663 (cited by Labcorp Genetics (formerly Invitae), Labcorp); PubMed 33762937 (cited by Labcorp Genetics (formerly Invitae), Labcorp).